The following is an entry in ClinVar:

ClinVar aggregate classification (germline): Conflicting classifications of pathogenicity. Review status: criteria provided, conflicting classifications (1 of 4 stars). 3 submissions from 3 submitters: Uncertain significance (2); Likely benign (1). Last evaluated 2023-05-03.

Conditions:
Cerebral palsy, spastic quadriplegic, 2 (CPSQ2). Identifiers: Orphanet 210141, MedGen C2752061, MONDO:0013033, OMIM 612900.

Allele frequency attached by ClinVar (database versions not stated): gnomAD exomes below 0.00001; TOPMed below 0.00001; gnomAD 0.00002.
gnomAD v4.1: 10 of 1,613,910 alleles (0.00062%); highest among the groups gnomAD compares: Middle Eastern, 0.033%; no homozygotes.

Submissions (3):

Ambry Genetics
Classification: Likely benign. Last evaluated: 2023-05-03. Review status: criteria provided, single submitter. Criteria: Ambry Variant Classification Scheme 2023. Collection method: clinical testing. Allele origin: germline.

Labcorp Genetics (formerly Invitae), Labcorp
Classification: Uncertain significance. Last evaluated: 2022-04-29. Review status: criteria provided, single submitter. Criteria: Invitae Variant Classification Sherloc (09022015). Collection method: clinical testing. Allele origin: germline.
Comment: In summary, the available evidence is currently insufficient to determine the role of this variant in disease. Therefore, it has been classified as a Variant of Uncertain Significance. Algorithms developed to predict the effect of missense changes on protein structure and function output the following: SIFT: "Tolerated"; PolyPhen-2: "Benign"; Align-GVGD: "Class C0". The valine amino acid residue is found in multiple mammalian species, which suggests that this missense change does not adversely affect protein function. This variant has not been reported in the literature in individuals affected with KANK1-related conditions. This variant is present in population databases (no rsID available, gnomAD 0.006%). This sequence change replaces isoleucine, which is neutral and non-polar, with valine, which is neutral and non-polar, at codon 692 of the KANK1 protein (p.Ile692Val).

Revvity Omics, Revvity
Classification: Uncertain significance for Cerebral palsy, spastic quadriplegic, 2. Last evaluated: 2021-10-01. Review status: criteria provided, single submitter. Criteria: ACMG Guidelines, 2015. Collection method: clinical testing. Allele origin: germline.

NM_015158.5(KANK1):c.2074A>G (p.Ile692Val)

Gene: KANK1 (KN motif and ankyrin repeat domains 1; plus strand). Cytogenetic location: 9p24.3.
Variant type: single nucleotide variant.
Coding change: c.2074A>G on transcript NM_015158.5 (MANE Select); coding-DNA position 2074, A replaced by G.
Protein change: p.Ile692Val; replaces isoleucine 692 with valine.
Molecular consequence: missense variant. On other transcripts: non-coding transcript variant (1).
Genome position (GRCh38, 1-based): chr9:712,840, A>G. VCF-style: chr9-712840-A-G. GRCh37 (hg19) VCF-style: chr9-712840-A-G.
Other names: c.2074A>G, p.Ile692Val (NM_001256876.3, NM_001256877.3, NM_001354331.2 and 2 more transcripts); c.1600A>G, p.Ile534Val (NM_001354333.2, NM_001354335.2, NM_001354336.2 and 9 more transcripts); c.2074A>G (NM_015158.4, NM_015158.2); short protein forms I534V, I692V.
Identifiers: ClinVar variation 2129856 (VCV002129856.9), dbSNP rs1302836963, ClinGen allele CA372749541.
Genomic context (GRCh38, chr9:712,840, plus strand): 5'-GACACTAGCACAGATTTGGAACAGGTGCACCAGTTCACCAACACCGAGACGGCCACCCTC[A>G]TAGAGTCCTGCACCAACACTTGTCTAAGCACTTTGGACAAGCAGACCAGCACCCAGACTG-3'
Protein context (NP_055973.2, residues 682-702): QFTNTETATL[Ile692Val]ESCTNTCLST